The following is an entry in ClinVar:

NM_002180.3(IGHMBP2):c.2383C>T (p.Pro795Ser)

Gene: IGHMBP2 (immunoglobulin mu DNA binding protein 2; plus strand). Cytogenetic location: 11q13.3.
Variant type: single nucleotide variant.
Coding change: c.2383C>T on transcript NM_002180.3 (MANE Select); coding-DNA position 2383, C replaced by T.
Protein change: p.Pro795Ser; replaces proline 795 with serine.
Molecular consequence: missense variant.
Genome position (GRCh38, 1-based): chr11:68,936,863, C>T. VCF-style: chr11-68936863-C-T. GRCh37 (hg19) VCF-style: chr11-68704331-C-T.
Other names: short protein forms P795S.
Identifiers: ClinVar variation 851552 (VCV000851552.9), dbSNP rs760161861, ClinGen allele CA381653463.
Genomic context (GRCh38, chr11:68,936,863, plus strand): 5'-GGGAAGAGGAGGTTCATCACTGTGAGCAAGAGGGCCCCGCGACCCCGAGCAGCCCTGGGA[C>T]CCCCAGCAGGGACCGGTGGCCCAGCCCCTCTCCAGCCAGTGCCCCCTACCCCTGCGCAGA-3'
Protein context (NP_002171.2, residues 785-805): RAPRPRAALG[Pro795Ser]PAGTGGPAPL

ClinVar aggregate classification (germline): Uncertain significance (1 of 4 stars; one submission).

Conditions:
Autosomal recessive distal spinal muscular atrophy 1. Also called: SEVERE INFANTILE AXONAL NEUROPATHY WITH RESPIRATORY FAILURE; SPINAL MUSCULAR ATROPHY, DIAPHRAGMATIC; Spinal muscular atrophy with respiratory distress 1; NEURONOPATHY, DISTAL HEREDITARY MOTOR, HARDING TYPE VI; NEUROPATHY, DISTAL HEREDITARY MOTOR, AUTOSOMAL RECESSIVE 1; HMN VI. Identifiers: Orphanet 98920, MedGen C1858517, MONDO:0011436, OMIM 604320.
Charcot-Marie-Tooth disease axonal type 2S. Also called: CHARCOT-MARIE-TOOTH DISEASE, AXONAL, AUTOSOMAL RECESSIVE, TYPE 2S; CHARCOT-MARIE-TOOTH NEUROPATHY, TYPE 2S. Identifiers: Orphanet 443073, MedGen C4015349, MONDO:0014511, OMIM 616155.

Submission:

Labcorp Genetics (formerly Invitae), Labcorp
Classification: Uncertain significance for Autosomal recessive distal spinal muscular atrophy 1; Charcot-Marie-Tooth disease axonal type 2S. Last evaluated: 2022-01-23. Review status: criteria provided, single submitter. Criteria: Invitae Variant Classification Sherloc (09022015). Collection method: clinical testing. Allele origin: germline.
Comment: This sequence change replaces proline, which is neutral and non-polar, with serine, which is neutral and polar, at codon 795 of the IGHMBP2 protein (p.Pro795Ser). This variant is not present in population databases (gnomAD no frequency). This variant has not been reported in the literature in individuals affected with IGHMBP2-related conditions. ClinVar contains an entry for this variant (Variation ID: 851552). Advanced modeling of protein sequence and biophysical properties (such as structural, functional, and spatial information, amino acid conservation, physicochemical variation, residue mobility, and thermodynamic stability) performed at Invitae indicates that this missense variant is not expected to disrupt IGHMBP2 protein function. In summary, the available evidence is currently insufficient to determine the role of this variant in disease. Therefore, it has been classified as a Variant of Uncertain Significance.